The following is an entry in ClinVar:

ClinVar aggregate classification (germline): Uncertain significance (1 of 4 stars; one submission).

Submission:

Labcorp Genetics (formerly Invitae), Labcorp
Classification: Uncertain significance. Last evaluated: 2025-09-22. Review status: criteria provided, single submitter. Criteria: Invitae Variant Classification Sherloc (09022015). Collection method: clinical testing. Allele origin: germline.
Comment: This sequence change replaces glutamine, which is neutral and polar, with lysine, which is basic and polar, at codon 469 of the HK1 protein (p.Gln469Lys). This variant is not present in population databases (gnomAD no frequency). This variant has not been reported in the literature in individuals affected with HK1-related conditions. Invitae Evidence Modeling of protein sequence and biophysical properties (such as structural, functional, and spatial information, amino acid conservation, physicochemical variation, residue mobility, and thermodynamic stability) indicates that this missense variant is not expected to disrupt HK1 protein function with a negative predictive value of 80%. In summary, the available evidence is currently insufficient to determine the role of this variant in disease. Therefore, it has been classified as a Variant of Uncertain Significance.

NM_000188.3(HK1):c.1405C>A (p.Gln469Lys)

Gene: HK1 (hexokinase 1; plus strand). Cytogenetic location: 10q22.1.
Variant type: single nucleotide variant.
Coding change: c.1405C>A on transcript NM_000188.3 (MANE Select); coding-DNA position 1405, C replaced by A.
Protein change: p.Gln469Lys; replaces glutamine 469 with lysine.
Molecular consequence: missense variant. On other transcripts: non-coding transcript variant (2).
Genome position (GRCh38, 1-based): chr10:69,382,626, C>A. VCF-style: chr10-69382626-C-A. GRCh37 (hg19) VCF-style: chr10-71142382-C-A.
Other names: c.1417C>A, p.Gln473Lys (NM_001322364.2, NM_001358263.1, NM_033497.3 and 1 more transcripts); c.1510C>A, p.Gln504Lys (NM_001322365.2); c.1321C>A, p.Gln441Lys (NM_001322366.1, NM_001441143.1); c.1309C>A, p.Gln437Lys (NM_001322367.1); c.1405C>A, p.Gln469Lys (NM_001441139.1, NM_001441141.1, NM_001441145.1 and 2 more transcripts); c.1396C>A, p.Gln466Lys (NM_001441140.1); c.1363C>A, p.Gln455Lys (NM_001441142.1); c.1285C>A, p.Gln429Lys (NM_001441144.1); and 8 more; short protein forms Q133K, Q231K, Q473K, Q504K, Q256K, Q437K, Q457K, Q339K.
Identifiers: ClinVar variation 4746518 (VCV004746518.1).
Genomic context (GRCh38, chr10:69,382,626, plus strand): 5'-AGCGGCAAGGGGGCTGCCATGGTGACGGCGGTGGCCTACCGCTTGGCCGAGCAGCACCGG[C>A]AGATAGAGGAGACCCTGGCTCATTTCCACCTCACCAAGGACATGCTGCTGGAGGTGAAGA-3'
Protein context (NP_000179.2, residues 459-479): VAYRLAEQHR[Gln469Lys]IEETLAHFHL